The following is an entry in ClinVar:

NM_001292063.2(OTOG):c.4223G>T (p.Cys1408Phe)

Gene: OTOG (otogelin; plus strand). Cytogenetic location: 11p15.1.
Variant type: single nucleotide variant.
Coding change: c.4223G>T on transcript NM_001292063.2 (MANE Select); coding-DNA position 4223, G replaced by T.
Protein change: p.Cys1408Phe; replaces cysteine 1408 with phenylalanine.
Molecular consequence: missense variant.
Genome position (GRCh38, 1-based): chr11:17,608,362, G>T. VCF-style: chr11-17608362-G-T. GRCh37 (hg19) VCF-style: chr11-17629909-G-T.
Other names: c.4259G>T, p.Cys1420Phe (NM_001277269.2); short protein forms C1408F, C1420F.
Identifiers: ClinVar variation 2662404 (VCV002662404.1), dbSNP rs1237167137, ClinGen allele CA379794158.
Genomic context (GRCh38, chr11:17,608,362, plus strand): 5'-AGCCCTCGGGGGCTGCCTACCCCATCTGCGAGTGGCGCTACGATGCCTGTGCCAGCCCCT[G>T]CTTCCAAACCTGCCGGGACCCACGGGCAGCCAGCTGCCGGGACGTACCCAGGTGAGATGC-3'
Protein context (NP_001278992.1, residues 1398-1418): EWRYDACASP[Cys1408Phe]FQTCRDPRAA

ClinVar aggregate classification (germline): Uncertain significance (1 of 4 stars; one submission).

Submission:

GeneDx
Classification: Uncertain significance. Last evaluated: 2023-05-17. Review status: criteria provided, single submitter. Criteria: GeneDx Variant Classification Process June 2021. Collection method: clinical testing. Allele origin: germline. Affected: yes.
Comment: Not observed at significant frequency in large population cohorts (gnomAD); In silico analysis supports that this missense variant has a deleterious effect on protein structure/function; Has not been previously published as pathogenic or benign to our knowledge